The following is an entry in ClinVar:

ClinVar aggregate classification (germline): Uncertain significance. Review status: criteria provided, multiple submitters, no conflicts (2 of 4 stars). 2 submissions from 2 submitters: Uncertain significance (2). Last evaluated 2025-06-06.

Conditions:
Neutropenia, severe congenital, 1, autosomal dominant. Identifiers: MedGen C1859966, MONDO:0042490, OMIM 202700.
Cyclical neutropenia. Also called: Cyclic hematopoiesis; Cyclic Neutropenia. Identifiers: Orphanet 2686, MedGen C0221023, MONDO:0008090, OMIM 162800, HP:0040289. Disease mechanism: loss of function.
Inborn genetic diseases. Identifiers: MedGen C0950123, MeSH D030342.

Allele frequency attached by ClinVar (database versions not stated): TOPMed below 0.00001.

Submissions (2):

Ambry Genetics
Classification: Uncertain significance for Inborn genetic diseases. Last evaluated: 2025-06-06. Review status: criteria provided, single submitter. Criteria: Ambry Variant Classification Scheme 2023. Collection method: clinical testing. Allele origin: germline.
Comment: The p.F105L variant (also known as c.315C>G), located in coding exon 3 of the ELANE gene, results from a C to G substitution at nucleotide position 315. The phenylalanine at codon 105 is replaced by leucine, an amino acid with highly similar properties. This amino acid position is conserved. In addition, the in silico prediction for this alteration is inconclusive. Based on the available evidence, the clinical significance of this variant remains unclear.

Labcorp Genetics (formerly Invitae), Labcorp
Classification: Uncertain significance for Neutropenia, severe congenital, 1, autosomal dominant; Cyclical neutropenia. Last evaluated: 2022-09-29. Review status: criteria provided, single submitter. Criteria: Invitae Variant Classification Sherloc (09022015). Collection method: clinical testing. Allele origin: germline.
Comment: This sequence change replaces phenylalanine, which is neutral and non-polar, with leucine, which is neutral and non-polar, at codon 105 of the ELANE protein (p.Phe105Leu). This variant is not present in population databases (gnomAD no frequency). This variant has not been reported in the literature in individuals affected with ELANE-related conditions. Algorithms developed to predict the effect of missense changes on protein structure and function (SIFT, PolyPhen-2, Align-GVGD) all suggest that this variant is likely to be tolerated. In summary, the available evidence is currently insufficient to determine the role of this variant in disease. Therefore, it has been classified as a Variant of Uncertain Significance.

NM_001972.4(ELANE):c.315C>G (p.Phe105Leu)

Gene: ELANE (elastase, neutrophil expressed; plus strand). Cytogenetic location: 19p13.3.
Variant type: single nucleotide variant.
Coding change: c.315C>G on transcript NM_001972.4 (MANE Select); coding-DNA position 315, C replaced by G.
Protein change: p.Phe105Leu; replaces phenylalanine 105 with leucine.
Molecular consequence: missense variant.
Genome position (GRCh38, 1-based): chr19:853,352, C>G. VCF-style: chr19-853352-C-G. GRCh37 (hg19) VCF-style: chr19-853352-C-G.
Other names: short protein forms F105L.
Identifiers: ClinVar variation 1930141 (VCV001930141.6), dbSNP rs2035626466, ClinGen allele CA402916166.
Genomic context (GRCh38, chr19:853,352, plus strand): 5'-AGCCCATAACCTCTCGCGGCGGGAGCCCACCCGGCAGGTGTTCGCCGTGCAGCGCATCTT[C>G]GAAAACGGCTACGACCCCGTAAACTTGCTCAACGACATCGTGATTCTCCAGGTGCCGCCG-3'
Protein context (NP_001963.1, residues 95-115): TRQVFAVQRI[Phe105Leu]ENGYDPVNLL